The following is an entry in ClinVar:

NM_025074.7(FRAS1):c.11037C>G (p.Pro3679=)

Genes: FRAS1 (Fraser extracellular matrix complex subunit 1; plus strand), LOC126807089 (CDK7 strongly-dependent group 2 enhancer GRCh37_chr4:79455131-79456330; plus strand). Cytogenetic location: 4q21.21.
Variant type: single nucleotide variant.
Coding change: c.11037C>G on transcript NM_025074.7 (MANE Select); coding-DNA position 11037, C replaced by G.
Protein change: p.Pro3679=; no amino-acid change (proline 3679 retained).
Molecular consequence: synonymous variant.
Genome position (GRCh38, 1-based): chr4:78,534,560, C>G. VCF-style: chr4-78534560-C-G. GRCh37 (hg19) VCF-style: chr4-79455714-C-G.
Other names: p.Pro3679=.
Identifiers: ClinVar variation 261801 (VCV000261801.18), dbSNP rs4975070, ClinGen allele CA2979122.

ClinVar aggregate classification (germline): Benign. Review status: criteria provided, multiple submitters, no conflicts (2 of 4 stars). 10 submissions from 10 submitters: Benign (8). 2 of the submissions do not count toward it. Last evaluated 2026-02-04.

Conditions:
Fraser syndrome 1 (FRASRS1). Also called: CRYPTOPHTHALMOS WITH OTHER MALFORMATIONS. Identifiers: Orphanet 2052, MedGen C4551480, MONDO:0054737, OMIM 219000.

Allele frequency attached by ClinVar (database versions not stated): ESP Exome Variant Server 0.40499; gnomAD 0.42060 and 0.43407; TOPMed 0.43057; ExAC 0.48842; gnomAD exomes 0.49057; 1000 Genomes Project 30x 0.50500; 1000 Genomes Project 0.51498.
gnomAD v4.1: 732,420 of 1,608,114 alleles (46%); highest among the groups gnomAD compares: East Asian, 78%; 173,625 homozygotes.

Submissions (10):

Labcorp Genetics (formerly Invitae), Labcorp
Classification: Benign. Last evaluated: 2026-02-04. Review status: criteria provided, single submitter. Criteria: Invitae Variant Classification Sherloc (09022015). Collection method: clinical testing. Allele origin: germline.

Blueprint Genetics
Classification: Benign. Last evaluated: 2024-11-26. Review status: criteria provided, single submitter. Criteria: ACMG Guidelines, 2015. Collection method: clinical testing. Allele origin: germline.

Mayo Clinic Laboratories, Mayo Clinic
Classification: Benign. Last evaluated: 2022-03-09. Review status: criteria provided, single submitter. Criteria: ACMG Guidelines, 2015. Collection method: clinical testing. Allele origin: germline. Observed: 55 variant alleles.

Genome-Nilou Lab
Classification: Benign for Fraser syndrome 1. Last evaluated: 2021-08-10. Review status: criteria provided, single submitter. Criteria: ACMG Guidelines, 2015. Collection method: clinical testing. Allele origin: germline. Affected: no.

GeneDx
Classification: Benign. Last evaluated: 2020-07-06. Review status: criteria provided, single submitter. Criteria: GeneDx Variant Classification Process June 2021. Collection method: clinical testing. Allele origin: germline. Affected: yes.

Illumina Laboratory Services, Illumina
Classification: Benign for Fraser syndrome 1. Last evaluated: 2018-01-12. Review status: criteria provided, single submitter. Criteria: ICSL Variant Classification Criteria 13 December 2019. Collection method: clinical testing. Allele origin: germline.
Comment: This variant was observed in the ICSL laboratory as part of a predisposition screen in an ostensibly healthy population. It had not been previously curated by ICSL or reported in the Human Gene Mutation Database (HGMD: prior to June 1st, 2018), and was therefore a candidate for classification through an automated scoring system. Utilizing variant allele frequency, disease prevalence and penetrance estimates, and inheritance mode, an automated score was calculated to assess if this variant is too frequent to cause the disease. Based on the score and internal cut-off values, a variant classified as benign is not then subjected to further curation. The score for this variant resulted in a classification of benign for this disease.

Breakthrough Genomics
Classification: Benign. Review status: criteria provided, single submitter. Criteria: ACMG Guidelines, 2015. Collection method: not provided. Allele origin: germline. Inheritance: Autosomal recessive inheritance. Affected: yes.

PreventionGenetics, part of Exact Sciences
Classification: Benign. Review status: criteria provided, single submitter. Criteria: ACMG Guidelines, 2015. Collection method: clinical testing. Allele origin: germline.

Diagnostic Laboratory, Department of Genetics, University Medical Center Groningen
Classification: Benign for Fraser syndrome 1. Review status: no assertion criteria provided. Collection method: clinical testing. Allele origin: germline. Affected: yes. Study: VKGL Data-share Consensus. Not counted in ClinVar's aggregate classification.

Genome Diagnostics Laboratory, University Medical Center Utrecht
Classification: Benign. Review status: no assertion criteria provided. Collection method: clinical testing. Allele origin: germline. Affected: yes. Study: VKGL Data-share Consensus. Not counted in ClinVar's aggregate classification.